The following is an entry in ClinVar:

NM_005045.4(RELN):c.9018A>G (p.Ile3006Met)

Genes: RELN (reelin; minus strand), SLC26A5-AS1 (SLC26A5 antisense RNA 1; plus strand). Cytogenetic location: 7q22.1.
Variant type: single nucleotide variant.
Coding change: c.9018A>G on transcript NM_005045.4 (MANE Select); coding-DNA position 9018, A replaced by G.
Protein change: p.Ile3006Met; replaces isoleucine 3006 with methionine.
Molecular consequence: missense variant.
Genome position (GRCh38, 1-based): chr7:103,496,701, T>C on the plus strand (A>G on the coding strand, the complement: RELN is on the minus strand). VCF-style: chr7-103496701-T-C. GRCh37 (hg19) VCF-style: chr7-103137148-T-C.
Other names: c.9018A>G, p.Ile3006Met (NM_173054.3); short protein forms I3006M.
Identifiers: ClinVar variation 2943162 (VCV002943162.3), dbSNP rs758060725, ClinGen allele CA163909323.
Genomic context (GRCh38, chr7:103,496,701, plus strand): 5'-CACAAAAGGCTGCCACCAGCGAAGTCGAGTTGTGTTGGTGAGGGCATCTTCAGGAAGAAG[T>C]ATGTAGTCGTGTCTAACAGAAATGTATTTCTGGTAATCCATCTCATGGAGCAAAGTCCAG-3'
Protein context (NP_005036.2, residues 2996-3016): QKYISVRHDY[Ile3006Met]LLPEDALTNT

ClinVar aggregate classification (germline): Uncertain significance (1 of 4 stars; one submission).

Conditions:
Familial temporal lobe epilepsy 7. Identifiers: Orphanet 101046, MedGen C4225327, MONDO:0014639, OMIM 616436.
Norman-Roberts syndrome (LIS2). Also called: Lissencephaly 2 (Norman-Roberts type). Identifiers: Orphanet 89844, MedGen C0796089, MONDO:0009760, OMIM 257320.

Allele frequency attached by ClinVar (database versions not stated): gnomAD exomes below 0.00001; gnomAD 0.00001; TOPMed 0.00001.
gnomAD v4.1: 3 of 1,614,020 alleles (0.00019%); highest among the groups gnomAD compares: African/African-American, 0.0013%; no homozygotes.

Submission:

Labcorp Genetics (formerly Invitae), Labcorp
Classification: Uncertain significance for Familial temporal lobe epilepsy 7; Norman-Roberts syndrome. Last evaluated: 2023-04-01. Review status: criteria provided, single submitter. Criteria: Invitae Variant Classification Sherloc (09022015). Collection method: clinical testing. Allele origin: germline.
Comment: In summary, the available evidence is currently insufficient to determine the role of this variant in disease. Therefore, it has been classified as a Variant of Uncertain Significance. Advanced modeling of protein sequence and biophysical properties (such as structural, functional, and spatial information, amino acid conservation, physicochemical variation, residue mobility, and thermodynamic stability) performed at Invitae indicates that this missense variant is not expected to disrupt RELN protein function. This variant has not been reported in the literature in individuals affected with RELN-related conditions. This variant is not present in population databases (gnomAD no frequency). This sequence change replaces isoleucine, which is neutral and non-polar, with methionine, which is neutral and non-polar, at codon 3006 of the RELN protein (p.Ile3006Met).